The following is an entry in ClinVar:

NM_080680.3(COL11A2):c.2921C>T (p.Ala974Val)

Gene: COL11A2 (collagen type XI alpha 2 chain; minus strand). Cytogenetic location: 6p21.32.
Variant type: single nucleotide variant.
Coding change: c.2921C>T on transcript NM_080680.3 (MANE Select); coding-DNA position 2921, C replaced by T.
Protein change: p.Ala974Val; replaces alanine 974 with valine.
Molecular consequence: missense variant.
Genome position (GRCh38, 1-based): chr6:33,172,356, G>A on the plus strand (C>T on the coding strand, the complement: COL11A2 is on the minus strand). VCF-style: chr6-33172356-G-A. GRCh37 (hg19) VCF-style: chr6-33140133-G-A.
Other names: c.2600C>T, p.Ala867Val (NM_080679.3); c.2663C>T, p.Ala888Val (NM_080681.3); short protein forms A974V, A867V, A888V.
Identifiers: ClinVar variation 178927 (VCV000178927.16), dbSNP rs376797260, ClinGen allele CA183327.

ClinVar aggregate classification (germline): Conflicting classifications of pathogenicity. Review status: criteria provided, conflicting classifications (1 of 4 stars). 7 submissions from 5 submitters: Uncertain significance (4); Likely benign (3). Last evaluated 2026-01-18.

Conditions:
Connective tissue disorder. Also called: Connective tissue disease. Identifiers: MedGen C0009782, MONDO:0003900.
Otospondylomegaepiphyseal dysplasia, autosomal recessive (OSMEDB). Also called: Insley-Astley syndrome; CHONDRODYSTROPHY WITH SENSORINEURAL DEAFNESS. Identifiers: Orphanet 1427, MedGen CN034493, MONDO:0044206, OMIM 215150.
Otospondylomegaepiphyseal dysplasia, autosomal dominant (OSMEDA). Also called: Pierre Robin syndrome with fetal chondrodysplasia; COL11A2-Related Stickler Syndrome; Stickler syndrome, type 3. Identifiers: Orphanet 166100, Orphanet 3450, MedGen C1848488, MONDO:0008490, OMIM 184840.
Fibrochondrogenesis 2 (FBCG2). Identifiers: Orphanet 2021, MedGen C3281128, MONDO:0013795, OMIM 614524.
Autosomal recessive nonsyndromic hearing loss 53. Identifiers: Orphanet 90636, MedGen C1864746, MONDO:0012333, OMIM 609706.
Autosomal dominant nonsyndromic hearing loss 13. Identifiers: Orphanet 90635, MedGen C1866095, MONDO:0011159, OMIM 601868.

Allele frequency attached by ClinVar (database versions not stated): gnomAD exomes 0.00010 and 0.00029; ExAC 0.00012; ESP Exome Variant Server 0.00012; TOPMed 0.00012; 1000 Genomes Project 30x 0.00016; gnomAD 0.00016; 1000 Genomes Project 0.00020.
gnomAD v4.1: 435 of 1,588,380 alleles (0.027%); highest among the groups gnomAD compares: Non-Finnish European, 0.036%; no homozygotes.

Submissions (7):

Labcorp Genetics (formerly Invitae), Labcorp
Classification: Likely benign. Last evaluated: 2026-01-18. Review status: criteria provided, single submitter. Criteria: Invitae Variant Classification Sherloc (09022015). Collection method: clinical testing. Allele origin: germline.

GeneDx
Classification: Likely benign. Last evaluated: 2020-10-02. Review status: criteria provided, single submitter. Criteria: GeneDx Variant Classification Process June 2021. Collection method: clinical testing. Allele origin: germline. Affected: yes.

Center for Human Genetics, Inc
Classification: Likely benign for Connective tissue disorder. Last evaluated: 2018-06-01. Review status: criteria provided, single submitter. Criteria: ACMG Guidelines, 2015. Collection method: clinical testing. Allele origin: germline. Affected: yes.

Laboratory for Molecular Medicine, Mass General Brigham Personalized Medicine
Classification: Uncertain significance. Last evaluated: 2018-05-21. Review status: criteria provided, single submitter. Criteria: LMM Criteria. Collection method: clinical testing. Allele origin: germline. Observed: 5 variant alleles.
Comment: The p.Ala974Val variant in COL11A2 has been previously reported by our laborator y in 2 individuals with hearing loss, 1 of whom had an alternate etiology. The v ariant is also present in ClinVar (Variation ID# 178927) and was identified in 0 .02% (21/99192) of European chromosomes by gnomAD (. org). Although this variant has been seen in the general population, its frequen cy is not high enough to rule out a pathogenic role. Computational prediction to ols and conservation analyses suggest that this variant may not impact the prote in, though this information is not predictive enough to rule out pathogenicity. In summary, the clinical significance of the p.Ala974Val variant is uncertain. ACMG/AMP Criteria applied: BP4.

Illumina Laboratory Services, Illumina
Classification: Uncertain significance for Fibrochondrogenesis 2. Last evaluated: 2018-01-13. Review status: criteria provided, single submitter. Criteria: ICSL Variant Classification Criteria 13 December 2019. Collection method: clinical testing. Allele origin: germline.

Illumina Laboratory Services, Illumina
Classification: Uncertain significance for Otospondylomegaepiphyseal dysplasia, autosomal recessive. Last evaluated: 2018-01-13. Review status: criteria provided, single submitter. Criteria: ICSL Variant Classification Criteria 13 December 2019. Collection method: clinical testing. Allele origin: germline.

Illumina Laboratory Services, Illumina
Classification: Uncertain significance for Otospondylomegaepiphyseal dysplasia, autosomal dominant. Last evaluated: 2018-01-13. Review status: criteria provided, single submitter. Criteria: ICSL Variant Classification Criteria 13 December 2019. Collection method: clinical testing. Allele origin: germline.